The following is an entry in ClinVar:

NM_000642.3(AGL):c.954A>G (p.Thr318=)

Gene: AGL (amylo-alpha-1,6-glucosidase and 4-alpha-glucanotransferase; plus strand). Cytogenetic location: 1p21.2.
Variant type: single nucleotide variant.
Coding change: c.954A>G on transcript NM_000642.3 (MANE Select); coding-DNA position 954, A replaced by G.
Protein change: p.Thr318=; no amino-acid change (threonine 318 retained).
Molecular consequence: synonymous variant.
Genome position (GRCh38, 1-based): chr1:99,870,865, A>G. VCF-style: chr1-99870865-A-G. GRCh37 (hg19) VCF-style: chr1-100336421-A-G.
Other names: c.954A>G, p.Thr318= (NM_001425326.1, NM_001425327.1, NM_000028.3 and 3 more transcripts); c.750A>G, p.Thr250= (NM_001425328.1, NM_001425329.1); c.576A>G, p.Thr192= (NM_001425332.1); c.906A>G, p.Thr302= (NM_000646.3).
Identifiers: ClinVar variation 390560 (VCV000390560.4), dbSNP rs1057523817, ClinGen allele CA16603770.
Genomic context (GRCh38, chr1:99,870,865, plus strand): 5'-CTGGGAATTTTTCCAAGTAGATGTCAACAAAGCGGTTGAGCAATTTAGAAGACTTCTTAC[A>G]CAAGGTAAAGGATACATACTAGAATGTTCCTATCGATTTTAAGAAATGTAATATTATAAA-3'
Protein context (NP_000633.2, residues 308-328): KAVEQFRRLL[Thr318=]QENRRVTKSD

ClinVar aggregate classification (germline): Likely benign. Review status: criteria provided, multiple submitters, no conflicts (2 of 4 stars). 2 submissions from 2 submitters: Likely benign (2). Last evaluated 2023-12-03.

Conditions:
Glycogen storage disease type III (GSD3). Also called: FORBES DISEASE; Cori disease. Identifiers: Orphanet 366, MedGen C0017922, MONDO:0009291, OMIM 232400.

Submissions (2):

Labcorp Genetics (formerly Invitae), Labcorp
Classification: Likely benign for Glycogen storage disease type III. Last evaluated: 2023-12-03. Review status: criteria provided, single submitter. Criteria: Invitae Variant Classification Sherloc (09022015). Collection method: clinical testing. Allele origin: germline.

GeneDx
Classification: Likely benign. Last evaluated: 2016-11-04. Review status: criteria provided, single submitter. Criteria: GeneDx Variant Classification (06012015). Collection method: clinical testing. Allele origin: germline. Affected: yes.
Comment: This variant is considered likely benign or benign based on one or more of the following criteria: it is a conservative change, it occurs at a poorly conserved position in the protein, it is predicted to be benign by multiple in silico algorithms, and/or has population frequency not consistent with disease.